The following is an entry in ClinVar:

ClinVar aggregate classification (germline): Pathogenic (1 of 4 stars; one submission).

Submission:

GeneDx
Classification: Pathogenic. Last evaluated: 2025-04-02. Review status: criteria provided, single submitter. Criteria: GeneDx Variant Classification Process June 2021. Collection method: clinical testing. Allele origin: germline. Affected: yes.
Comment: Frameshift variant predicted to result in protein truncation or nonsense mediated decay in a gene for which loss of function is a known mechanism of disease; Has not been previously published as pathogenic or benign to our knowledge; Not observed at significant frequency in large population cohorts (gnomAD)

NM_001008537.3(NEXMIF):c.2120_2121del (p.Thr707fs)

Gene: NEXMIF (neurite extension and migration factor; minus strand). Cytogenetic location: Xq13.3.
Variant type: Microsatellite.
Coding change: c.2120_2121del on transcript NM_001008537.3 (MANE Select); coding-DNA positions 2120 to 2121, 2 bases deleted (CA; older notation c.2120_2121delCA).
Protein change: p.Thr707fs; shifts the reading frame from threonine 707.
Molecular consequence: frameshift variant.
Genome position (GRCh38, 1-based): chrX:74,742,436-74,742,437, TG deleted on the plus strand (CA on the coding strand, the reverse complement: NEXMIF is on the minus strand); deleting any 2 consecutive bases within chrX:74,742,436-74,742,440 gives the same sequence; the c. name uses the placement nearest the transcript's 3' end. VCF-style (leftmost placement, unchanged base first): chrX-74742435-CTG-C. GRCh37 (hg19) VCF-style: chrX-73962270-CTG-C.
Other names: short protein forms T707fs.
Identifiers: ClinVar variation 4278629 (VCV004278629.1).